The following is an entry in ClinVar:

NM_032043.3(BRIP1):c.206-14T>C

Gene: BRIP1 (BRCA1 interacting DNA helicase 1; minus strand). Cytogenetic location: 17q23.2.
Variant type: single nucleotide variant.
Coding change: c.206-14T>C on transcript NM_032043.3 (MANE Select); 14 bases into the intron before coding-DNA position 206, T replaced by C.
Molecular consequence: intron variant.
Genome position (GRCh38, 1-based): chr17:61,857,245, A>G on the plus strand (T>C on the coding strand, the complement: BRIP1 is on the minus strand). VCF-style: chr17-61857245-A-G. GRCh37 (hg19) VCF-style: chr17-59934606-A-G.
Identifiers: ClinVar variation 1639268 (VCV001639268.10), dbSNP rs914741353, ClinGen allele CA2573154340.
Genomic context (GRCh38, chr17:61,857,245, plus strand): 5'-CAATTGTACTTCAGCTTTTTCACTTACGCCCTCATCTGCTGGTTTCCCTAAAAATGAAAG[A>G]ACATCTATTTATAATATATCTAATTAAATAAACATCAATCATTCTCTACAGCCCAGTTCA-3'

ClinVar aggregate classification (germline): Likely benign. Review status: criteria provided, multiple submitters, no conflicts (2 of 4 stars). 2 submissions from 2 submitters: Likely benign (2). Last evaluated 2024-08-09.

Conditions:
Familial cancer of breast. Also called: Hereditary breast cancer; hereditary breast carcinoma; BREAST CANCER, FAMILIAL. Identifiers: Orphanet 227535, MedGen C0346153, MONDO:0016419, OMIM 114480. Disease mechanism: loss of function.
Fanconi anemia complementation group J. Also called: BRIP1-Related Fanconi Anemia. Identifiers: Orphanet 84, MedGen C1836860, MONDO:0012187, OMIM 609054.

Submissions (2):

Myriad Genetics, Inc.
Classification: Likely benign for Familial cancer of breast. Last evaluated: 2024-08-09. Review status: criteria provided, single submitter. Criteria: Myriad Autosomal Dominant, Autosomal Recessive and X-Linked Classification Criteria (2023). Collection method: clinical testing. Allele origin: unknown.
Comment: This variant is considered likely benign. This variant is intronic and is not expected to impact mRNA splicing.

Labcorp Genetics (formerly Invitae), Labcorp
Classification: Likely benign for Familial cancer of breast; Fanconi anemia complementation group J. Last evaluated: 2024-04-30. Review status: criteria provided, single submitter. Criteria: Invitae Variant Classification Sherloc (09022015). Collection method: clinical testing. Allele origin: germline.